The following is an entry in ClinVar:

NM_001372044.2(SHANK3):c.2170C>G (p.Leu724Val)

Gene: SHANK3 (SH3 and multiple ankyrin repeat domains 3; plus strand). Cytogenetic location: 22q13.33.
Variant type: single nucleotide variant.
Coding change: c.2170C>G on transcript NM_001372044.2 (MANE Select); coding-DNA position 2170, C replaced by G.
Protein change: p.Leu724Val; replaces leucine 724 with valine.
Molecular consequence: missense variant.
Genome position (GRCh38, 1-based): chr22:50,705,012, C>G. VCF-style: chr22-50705012-C-G. GRCh37 (hg19) VCF-style: chr22-51143440-C-G.
Other names: short protein forms L724V.
Identifiers: ClinVar variation 4883846 (VCV004883846.2).
Genomic context (GRCh38, chr22:50,705,012, plus strand): 5'-TGTCTATCCCAGGTGAACGGGGTGAACGTGGTGAAGGTCGGACACAAGCAGGTGGTGGCT[C>G]TGATTCGCCAGGGTGGCAACCGCCTCGTCATGAAGGTTGTGTCTGTGACAAGGAAGCCAG-3'
Protein context (NP_001358973.1, residues 714-734): VKVGHKQVVA[Leu724Val]IRQGGNRLVM

ClinVar aggregate classification (germline): Uncertain significance (1 of 4 stars; one submission).

Submission:

Dasa
Classification: Uncertain significance. Last evaluated: 2024-07-30. Review status: criteria provided, single submitter. Criteria: DASA Assertion Criteria. Collection method: clinical testing. Allele origin: germline.
Comment: NM_001372044.2(SHANK3):c.2170C>G (p.Leu724Val) is a missense variant that results in the substitution of leucine with valine. This variant is absent from population databases. Computational prediction algorithms are consistent with a benign effect. The currently available literature and clinical evidence are not sufficient to establish a definitive association between this variant and the reported condition. Therefore, this variant is classified as a variant of uncertain significance.